The following is an entry in ClinVar:

NM_001242957.3(MAK):c.1137G>C (p.Met379Ile)

Gene: MAK (male germ cell associated kinase; minus strand). Cytogenetic location: 6p24.2.
Variant type: single nucleotide variant.
Coding change: c.1137G>C on transcript NM_001242957.3 (MANE Select); coding-DNA position 1137, G replaced by C.
Protein change: p.Met379Ile; replaces methionine 379 with isoleucine.
Molecular consequence: missense variant. On other transcripts: non-coding transcript variant (2).
Genome position (GRCh38, 1-based): chr6:10,796,004, C>G on the plus strand (G>C on the coding strand, the complement: MAK is on the minus strand). VCF-style: chr6-10796004-C-G. GRCh37 (hg19) VCF-style: chr6-10796237-C-G.
Other names: c.1137G>C, p.Met379Ile (NM_001242385.2, NM_005906.6); c.1035G>C, p.Met345Ile (NM_001377262.1); c.1137G>C (NM_005906.4); short protein forms M379I, M345I.
Identifiers: ClinVar variation 1040963 (VCV001040963.6), dbSNP rs150744360, ClinGen allele CA3633549.

ClinVar aggregate classification (germline): Uncertain significance. Review status: criteria provided, multiple submitters, no conflicts (2 of 4 stars). 2 submissions from 2 submitters: Uncertain significance (2). Last evaluated 2024-04-01.

Conditions:
Inborn genetic diseases. Identifiers: MedGen C0950123, MeSH D030342.

Allele frequency attached by ClinVar (database versions not stated): TOPMed 0.00001; ExAC 0.00002; gnomAD 0.00002 and 0.00003; gnomAD exomes 0.00003 and 0.00004; ESP Exome Variant Server 0.00008.
gnomAD v4.1: 60 of 1,613,604 alleles (0.0037%); highest among the groups gnomAD compares: Middle Eastern, 0.016%; no homozygotes.

Submissions (2):

Ambry Genetics
Classification: Uncertain significance for Inborn genetic diseases. Last evaluated: 2024-04-01. Review status: criteria provided, single submitter. Criteria: Ambry Variant Classification Scheme 2023. Collection method: clinical testing. Allele origin: germline.

Labcorp Genetics (formerly Invitae), Labcorp
Classification: Uncertain significance. Last evaluated: 2022-02-23. Review status: criteria provided, single submitter. Criteria: Invitae Variant Classification Sherloc (09022015). Collection method: clinical testing. Allele origin: germline.
Comment: This sequence change replaces methionine, which is neutral and non-polar, with isoleucine, which is neutral and non-polar, at codon 379 of the MAK protein (p.Met379Ile). This variant is present in population databases (rs150744360, gnomAD 0.04%). This variant has not been reported in the literature in individuals affected with MAK-related conditions. ClinVar contains an entry for this variant (Variation ID: 1040963). Experimental studies and prediction algorithms are not available or were not evaluated, and the functional significance of this variant is currently unknown. In summary, the available evidence is currently insufficient to determine the role of this variant in disease. Therefore, it has been classified as a Variant of Uncertain Significance.